The following is an entry in ClinVar:

NM_005515.4(MNX1):c.458C>G (p.Pro153Arg)

Genes: MNX1 (motor neuron and pancreas homeobox 1; minus strand), LOC129999736 (ATAC-STARR-seq lymphoblastoid silent region 18858; plus strand). Cytogenetic location: 7q36.3.
Variant type: single nucleotide variant.
Coding change: c.458C>G on transcript NM_005515.4 (MANE Select); coding-DNA position 458, C replaced by G.
Protein change: p.Pro153Arg; replaces proline 153 with arginine.
Molecular consequence: missense variant.
Genome position (GRCh38, 1-based): chr7:157,009,893, G>C on the plus strand (C>G on the coding strand, the complement: MNX1 is on the minus strand). VCF-style: chr7-157009893-G-C. GRCh37 (hg19) VCF-style: chr7-156802587-G-C.
Other names: short protein forms P153R.
Identifiers: ClinVar variation 4767649 (VCV004767649.1).

ClinVar aggregate classification (germline): Uncertain significance (1 of 4 stars; one submission).

Submission:

Labcorp Genetics (formerly Invitae), Labcorp
Classification: Uncertain significance. Last evaluated: 2025-04-01. Review status: criteria provided, single submitter. Criteria: Invitae Variant Classification Sherloc (09022015). Collection method: clinical testing. Allele origin: germline.
Comment: This sequence change replaces proline, which is neutral and non-polar, with arginine, which is basic and polar, at codon 153 of the MNX1 protein (p.Pro153Arg). This variant is present in population databases (no rsID available, gnomAD 0.01%). This variant has not been reported in the literature in individuals affected with MNX1-related conditions. Invitae Evidence Modeling of protein sequence and biophysical properties (such as structural, functional, and spatial information, amino acid conservation, physicochemical variation, residue mobility, and thermodynamic stability) indicates that this missense variant is not expected to disrupt MNX1 protein function with a negative predictive value of 80%. In summary, the available evidence is currently insufficient to determine the role of this variant in disease. Therefore, it has been classified as a Variant of Uncertain Significance.